The following is an entry in ClinVar:

NM_198578.4(LRRK2):c.3184A>T (p.Asn1062Tyr)

Gene: LRRK2 (leucine rich repeat kinase 2; plus strand). Cytogenetic location: 12q12.
Variant type: single nucleotide variant.
Coding change: c.3184A>T on transcript NM_198578.4 (MANE Select); coding-DNA position 3184, A replaced by T.
Protein change: p.Asn1062Tyr; replaces asparagine 1062 with tyrosine.
Molecular consequence: missense variant.
Genome position (GRCh38, 1-based): chr12:40,298,330, A>T. VCF-style: chr12-40298330-A-T. GRCh37 (hg19) VCF-style: chr12-40692132-A-T.
Other names: short protein forms N1062Y.
Identifiers: ClinVar variation 3292001 (VCV003292001.1).

ClinVar aggregate classification (germline): Uncertain significance (1 of 4 stars; one submission).

Conditions:
Inborn genetic diseases. Identifiers: MedGen C0950123, MeSH D030342.

Submission:

Ambry Genetics
Classification: Uncertain significance for Inborn genetic diseases. Last evaluated: 2024-05-09. Review status: criteria provided, single submitter. Criteria: Ambry Variant Classification Scheme 2023. Collection method: clinical testing. Allele origin: germline.
Comment: The p.N1062Y variant (also known as c.3184A>T), located in coding exon 24 of the LRRK2 gene, results from an A to T substitution at nucleotide position 3184. The asparagine at codon 1062 is replaced by tyrosine, an amino acid with dissimilar properties. This amino acid position is conserved. In addition, this alteration is predicted to be tolerated by in silico analysis. Based on the available evidence, the clinical significance of this variant remains unclear.